The following is an entry in ClinVar:

ClinVar aggregate classification (germline): Uncertain significance (1 of 4 stars; one submission).

Submission:

GeneDx
Classification: Uncertain significance. Last evaluated: 2025-03-24. Review status: criteria provided, single submitter. Criteria: GeneDx Variant Classification Process June 2021. Collection method: clinical testing. Allele origin: germline. Affected: yes.
Comment: Not observed at significant frequency in large population cohorts (gnomAD); Frameshift variant predicted to result in abnormal protein length as the last 52 amino acid(s) are replaced with 94 different amino acid(s) with an unclear effect on protein function; Has not been previously published as pathogenic or benign to our knowledge

NM_080552.3(SLC32A1):c.1419del (p.Ser474fs)

Gene: SLC32A1 (solute carrier family 32 member 1; plus strand). Cytogenetic location: 20q11.23.
Variant type: Deletion.
Coding change: c.1419del on transcript NM_080552.3 (MANE Select); coding-DNA position 1419, one base deleted (C; older notation c.1419delC).
Protein change: p.Ser474fs; shifts the reading frame from serine 474.
Molecular consequence: frameshift variant.
Genome position (GRCh38, 1-based): chr20:38,728,480, C deleted; the last of 3 consecutive C bases (chr20:38,728,478-38,728,480); deleting any one gives the same sequence. VCF-style (leftmost placement, unchanged base first): chr20-38728477-GC-G. GRCh37 (hg19) VCF-style: chr20-37357120-GC-G.
Other names: short protein forms S474fs.
Identifiers: ClinVar variation 4088256 (VCV004088256.1).